The following is an entry in ClinVar:

ClinVar aggregate classification (germline): Uncertain significance (1 of 4 stars; one submission).

gnomAD v4.1: 4 of 1,613,158 alleles (0.00025%); highest among the groups gnomAD compares: Middle Eastern, 0.017%; no homozygotes.

Submission:

Mayo Clinic Laboratories, Mayo Clinic
Classification: Uncertain significance. Last evaluated: 2024-07-31. Review status: criteria provided, single submitter. Criteria: ACMG Guidelines, 2015. Collection method: clinical testing. Allele origin: germline. Observed: 1 variant allele.
Comment: PM2

NM_173500.4(TTBK2):c.19C>G (p.Gln7Glu)

Gene: TTBK2 (tau tubulin kinase 2; minus strand). Cytogenetic location: 15q15.2.
Variant type: single nucleotide variant.
Coding change: c.19C>G on transcript NM_173500.4 (MANE Select); coding-DNA position 19, C replaced by G.
Protein change: p.Gln7Glu; replaces glutamine 7 with glutamic acid.
Molecular consequence: missense variant.
Genome position (GRCh38, 1-based): chr15:42,878,599, G>C on the plus strand (C>G on the coding strand, the complement: TTBK2 is on the minus strand). VCF-style: chr15-42878599-G-C. GRCh37 (hg19) VCF-style: chr15-43170797-G-C.
Other names: p.Gln7Glu; short protein forms Q7E.
Identifiers: ClinVar variation 3380266 (VCV003380266.1).